The following is an entry in ClinVar:

NM_000257.4(MYH7):c.4604C>A (p.Ala1535Asp)

Genes: MHRT (myosin heavy chain associated RNA transcript; plus strand), MYH7 (myosin heavy chain 7; minus strand). Cytogenetic location: 14q11.2.
Variant type: single nucleotide variant.
Coding change: c.4604C>A on transcript NM_000257.4 (MANE Select); coding-DNA position 4604, C replaced by A.
Protein change: p.Ala1535Asp; replaces alanine 1535 with aspartic acid.
Molecular consequence: missense variant.
Genome position (GRCh38, 1-based): chr14:23,416,908, G>T on the plus strand (C>A on the coding strand, the complement: MYH7 is on the minus strand). VCF-style: chr14-23416908-G-T. GRCh37 (hg19) VCF-style: chr14-23886117-G-T.
Other names: c.4604C>A, p.Ala1535Asp (NM_001407004.1); short protein forms A1535D.
Identifiers: ClinVar variation 3073212 (VCV003073212.1), dbSNP rs2502248517, ClinGen allele CA389038047.
Genomic context (GRCh38, chr14:23,416,908, plus strand): 5'-TGCCCTGCACACACACACACCTCGGCCTCCTCCAGGGCTGACTGCAGCTCCATCTTCTCG[G>T]CCTCCAGCTGCTTTCGGACCTTCTCCAGCTCATGGATAGTCTTTCCGCTGGAACCCAACT-3'
Protein context (NP_000248.2, residues 1525-1545): ELEKVRKQLE[Ala1535Asp]EKMELQSALE

ClinVar aggregate classification (germline): Uncertain significance (1 of 4 stars; one submission).

Conditions:
Cardiomyopathy (CMYO). Also called: Cardiomyopathies. Identifiers: Orphanet 167848, MedGen C0878544, MONDO:0004994, HP:0001638. Inheritance: Various modes of inheritance.

Submission:

All of Us Research Program, National Institutes of Health
Classification: Uncertain significance for Cardiomyopathy. Last evaluated: 2023-08-28. Review status: criteria provided, single submitter. Criteria: ACMG Guidelines, 2015. Collection method: clinical testing. Allele origin: germline. Inheritance: Autosomal dominant inheritance. Observed: 1 variant allele, 1 heterozygote.
Comment: This missense variant replaces alanine with aspartic acid at codon 1535 of the MYH7 protein. Computational prediction suggests that this variant may not impact protein structure and function (internally defined REVEL score threshold <= 0.5, PMID: 27666373). To our knowledge, functional studies have not been reported for this variant. This variant has not been reported in individuals affected with MYH7-related disorders in the literature. This variant has not been identified in the general population by the Genome Aggregation Database (gnomAD). The available evidence is insufficient to determine the role of this variant in disease conclusively. Therefore, this variant is classified as a Variant of Uncertain Significance.

This study involves interpretation of variants in research participants for the purpose of population health screening. Participant phenotype was not available at the time of variant classification. Additional details can be found in publication PMID: 35346344, PMCID: PMC8962531